The following is an entry in ClinVar:

ClinVar aggregate classification (germline): Uncertain significance (1 of 4 stars; one submission).

Allele frequency attached by ClinVar (database versions not stated): TOPMed 0.00002; ExAC 0.00002.
gnomAD v4.1: 28 of 1,606,454 alleles (0.0017%); highest among the groups gnomAD compares: Admixed American, 0.047%; no homozygotes.

Submission:

Ambry Genetics
Classification: Uncertain significance. Last evaluated: 2026-02-17. Review status: criteria provided, single submitter. Criteria: Ambry Variant Classification Scheme 2023. Collection method: clinical testing. Allele origin: germline.
Comment: The c.1145G>A (p.C382Y) alteration is located in exon 1 (coding exon 1) of the FBXL14 gene. This alteration results from a G to A substitution at nucleotide position 1145, causing the cysteine (C) at amino acid position 382 to be replaced by a tyrosine (Y). Based on data from gnomAD, the A allele has an overall frequency of 0.01% (24/247544) total alleles studied. The highest observed frequency was 0.07% (24/34344) of Latino alleles. Based on insufficient or conflicting evidence, the clinical significance of this alteration remains unclear.

NM_152441.3(FBXL14):c.1145G>A (p.Cys382Tyr)

Gene: FBXL14 (F-box and leucine rich repeat protein 14; minus strand). Cytogenetic location: 12p13.33.
Variant type: single nucleotide variant.
Coding change: c.1145G>A on transcript NM_152441.3 (MANE Select); coding-DNA position 1145, G replaced by A.
Protein change: p.Cys382Tyr; replaces cysteine 382 with tyrosine.
Molecular consequence: missense variant. On other transcripts: non-coding transcript variant (1).
Genome position (GRCh38, 1-based): chr12:1,592,922, C>T on the plus strand (G>A on the coding strand, the complement: FBXL14 is on the minus strand). VCF-style: chr12-1592922-C-T. GRCh37 (hg19) VCF-style: chr12-1702088-C-T.
Other names: c.1145G>A, p.Cys382Tyr (NM_001405291.1, NM_001405292.1, NM_001405293.1); short protein forms C382Y.
Identifiers: ClinVar variation 3093487 (VCV003093487.2), dbSNP rs748877691, ClinGen allele CA6385158.
Genomic context (GRCh38, chr12:1,592,922, plus strand): 5'-CCTCACCTGACCTTCTCACTGTCCGTCATCTGCCAGAGTCCCAGGTTGAGTACCTTGAGG[C>T]ACGGCAGCTGCGTGATGCGCTCCAGGCCGCGCTTGGTGATTCGGGTGCAGCCGTACAGGT-3'
Protein context (NP_689654.1, residues 372-392): RGLERITQLP[Cys382Tyr]LKVLNLGLWQ